The following is an entry in ClinVar:

ClinVar aggregate classification (germline): Likely benign (1 of 4 stars; one submission).

Conditions:
Age related macular degeneration 8. Identifiers: MedGen C3151070, MONDO:0013416, OMIM 613778.

Allele frequency attached by ClinVar (database versions not stated): gnomAD exomes 0.00005 and 0.00022; gnomAD 0.00007 and 0.00009; TOPMed 0.00016; ExAC 0.00027; 1000 Genomes Project 30x 0.00031; 1000 Genomes Project 0.00040.

Submission:

Illumina Laboratory Services, Illumina
Classification: Likely benign for Age related macular degeneration 8. Last evaluated: 2018-01-13. Review status: criteria provided, single submitter. Criteria: ICSL Variant Classification Criteria 13 December 2019. Collection method: clinical testing. Allele origin: germline.
Comment: This variant was observed in the ICSL laboratory as part of a predisposition screen in an ostensibly healthy population. It had not been previously curated by ICSL or reported in the Human Gene Mutation Database (HGMD: prior to June 1st, 2018), and was therefore a candidate for classification through an automated scoring system. Utilizing variant allele frequency, disease prevalence and penetrance estimates, and inheritance mode, an automated score was calculated to assess if this variant is too frequent to cause the disease. Based on the score and internal cut-off values, a variant classified as likely benign is not then subjected to further curation. The score for this variant resulted in a classification of likely benign for this disease.

NM_001099667.3(ARMS2):c.-9G>A

Genes: ARMS2 (age-related maculopathy susceptibility 2; plus strand), HTRA1-AS1 (HTRA1 and ARMS2 antisense RNA 1; minus strand). Cytogenetic location: 10q26.13.
Variant type: single nucleotide variant.
Coding change: c.-9G>A on transcript NM_001099667.3 (MANE Select); 9 bases upstream of the start codon, G replaced by A.
Molecular consequence: 5 prime UTR variant.
Genome position (GRCh38, 1-based): chr10:122,454,719, G>A. VCF-style: chr10-122454719-G-A. GRCh37 (hg19) VCF-style: chr10-124214235-G-A.
Identifiers: ClinVar variation 878184 (VCV000878184.4), dbSNP rs186211237, ClinGen allele CA5725707.